The following is an entry in ClinVar:

NM_005198.5(CHKB):c.1052T>C (p.Phe351Ser)

Genes: CHKB (choline kinase beta; minus strand), CHKB-CPT1B (CHKB-CPT1B readthrough (NMD candidate); minus strand). Cytogenetic location: 22q13.33.
Variant type: single nucleotide variant.
Coding change: c.1052T>C on transcript NM_005198.5 (MANE Select); coding-DNA position 1052, T replaced by C.
Protein change: p.Phe351Ser; replaces phenylalanine 351 with serine.
Molecular consequence: missense variant. On other transcripts: non-coding transcript variant (1).
Genome position (GRCh38, 1-based): chr22:50,579,487, A>G on the plus strand (T>C on the coding strand, the complement: CHKB is on the minus strand). VCF-style: chr22-50579487-A-G. GRCh37 (hg19) VCF-style: chr22-51017916-A-G.
Other names: short protein forms F351S.
Identifiers: ClinVar variation 837239 (VCV000837239.10), dbSNP rs2070626951, ClinGen allele CA412195011.

ClinVar aggregate classification (germline): Uncertain significance (1 of 4 stars; one submission).

Conditions:
Megaconial type congenital muscular dystrophy (MDCMC). Also called: CHKB-Related Muscle Diseases; MUSCULAR DYSTROPHY, CONGENITAL, WITH MITOCHONDRIAL STRUCTURAL ABNORMALITIES; CHKB-Related Muscular Dystrophy. Identifiers: Orphanet 280671, MedGen C1865233, MONDO:0011246, OMIM 602541.

Submission:

Labcorp Genetics (formerly Invitae), Labcorp
Classification: Uncertain significance for Megaconial type congenital muscular dystrophy. Last evaluated: 2019-12-18. Review status: criteria provided, single submitter. Criteria: Invitae Variant Classification Sherloc (09022015). Collection method: clinical testing. Allele origin: germline.
Comment: In summary, the available evidence is currently insufficient to determine the role of this variant in disease. Therefore, it has been classified as a Variant of Uncertain Significance. Algorithms developed to predict the effect of missense changes on protein structure and function (SIFT, PolyPhen-2, Align-GVGD) all suggest that this variant is likely to be disruptive, but these predictions have not been confirmed by published functional studies and their clinical significance is uncertain. This variant has not been reported in the literature in individuals with CHKB-related conditions. This variant is not present in population databases (ExAC no frequency). This sequence change replaces phenylalanine with serine at codon 351 of the CHKB protein (p.Phe351Ser). The phenylalanine residue is moderately conserved and there is a large physicochemical difference between phenylalanine and serine.